The following is an entry in ClinVar:

ClinVar aggregate classification (germline): Benign/Likely benign. Review status: criteria provided, multiple submitters, no conflicts (2 of 4 stars). 4 submissions from 4 submitters: Benign (3); Likely benign (1). Last evaluated 2026-09-01.

Conditions:
Epileptic encephalopathy. Identifiers: MedGen C0543888, HP:0200134.

Allele frequency attached by ClinVar (database versions not stated): gnomAD exomes 0.00418; ExAC 0.00446; gnomAD 0.00531 and 0.00536; TOPMed 0.00568; ESP Exome Variant Server 0.00619; 1000 Genomes Project 30x 0.00640; 1000 Genomes Project 0.00659.
gnomAD v4.1: 6,370 of 1,613,850 alleles (0.39%); highest among the groups gnomAD compares: Middle Eastern, 2.8%; 23 homozygotes.

Submissions (4):

CeGaT Center for Human Genetics Tuebingen
Classification: Benign. Last evaluated: 2026-09-01. Review status: criteria provided, single submitter. Criteria: CeGaT Center For Human Genetics Tuebingen Variant Classification Criteria Version 2. Collection method: clinical testing. Allele origin: germline. Affected: yes. Observed: 16 variant alleles.
Comment: RYR3: BP4, BP7, BS1, BS2

Labcorp Genetics (formerly Invitae), Labcorp
Classification: Benign for Epileptic encephalopathy. Last evaluated: 2026-01-04. Review status: criteria provided, single submitter. Criteria: Invitae Variant Classification Sherloc (09022015). Collection method: clinical testing. Allele origin: germline.

Blueprint Genetics
Classification: Likely benign. Last evaluated: 2024-11-27. Review status: criteria provided, single submitter. Criteria: ACMG Guidelines, 2015. Collection method: clinical testing. Allele origin: germline.

Breakthrough Genomics
Classification: Benign. Review status: criteria provided, single submitter. Criteria: ACMG Guidelines, 2015. Collection method: not provided. Allele origin: germline. Inheritance: Unknown mechanism. Affected: yes.

NM_001036.6(RYR3):c.9759C>T (p.Asp3253=)

Gene: RYR3 (ryanodine receptor 3; plus strand). Cytogenetic location: 15q14.
Variant type: single nucleotide variant.
Coding change: c.9759C>T on transcript NM_001036.6 (MANE Select); coding-DNA position 9759, C replaced by T.
Protein change: p.Asp3253=; no amino-acid change (aspartic acid 3253 retained).
Molecular consequence: synonymous variant.
Genome position (GRCh38, 1-based): chr15:33,788,387, C>T. VCF-style: chr15-33788387-C-T. GRCh37 (hg19) VCF-style: chr15-34080588-C-T.
Other names: c.9759C>T, p.Asp3253= (NM_001243996.4).
Identifiers: ClinVar variation 461989 (VCV000461989.40), dbSNP rs55650127, ClinGen allele CA7460598.